The following is an entry in ClinVar:

ClinVar aggregate classification (germline): Pathogenic. Review status: criteria provided, multiple submitters, no conflicts (2 of 4 stars). 3 submissions from 3 submitters: Pathogenic (2). 1 of the submissions does not count toward it. Last evaluated 2023-10-11.

Conditions:
Neuronal ceroid lipofuscinosis. Also called: Neuronal Ceroid Lipofuscinoses. Identifiers: Orphanet 216, Orphanet 79263, MedGen C0027877, MONDO:0016295. Disease mechanism: loss of function.
Neuronal ceroid lipofuscinosis 8 (CLN8). Also called: CLN8-Related Neuronal Ceroid-Lipofuscinosis. Identifiers: Orphanet 168491, Orphanet 228354, Orphanet 79264, MedGen C1838570, MONDO:0010830, OMIM 600143.

Submissions (3):

Labcorp Genetics (formerly Invitae), Labcorp
Classification: Pathogenic for Neuronal ceroid lipofuscinosis. Last evaluated: 2023-10-11. Review status: criteria provided, single submitter. Criteria: Invitae Variant Classification Sherloc (09022015). Collection method: clinical testing. Allele origin: germline.
Comment: This sequence change replaces tryptophan, which is neutral and slightly polar, with cysteine, which is neutral and slightly polar, at codon 263 of the CLN8 protein (p.Trp263Cys). This variant is not present in population databases (gnomAD no frequency). This missense change has been observed in individual(s) with neuronal ceroid lipofuscinosis (PMID: 15024724). In at least one individual the data is consistent with being in trans (on the opposite chromosome) from a pathogenic variant. It has also been observed to segregate with disease in related individuals. ClinVar contains an entry for this variant (Variation ID: 2803). Advanced modeling of protein sequence and biophysical properties (such as structural, functional, and spatial information, amino acid conservation, physicochemical variation, residue mobility, and thermodynamic stability) performed at Invitae indicates that this missense variant is expected to disrupt CLN8 protein function. For these reasons, this variant has been classified as Pathogenic.

CeGaT Center for Human Genetics Tuebingen
Classification: Pathogenic. Last evaluated: 2017-02-01. Review status: criteria provided, single submitter. Criteria: CeGaT Center For Human Genetics Tuebingen Variant Classification Criteria Version 2. Collection method: clinical testing. Allele origin: germline. Affected: yes. Observed: 1 variant allele.

OMIM
Classification: Pathogenic for CEROID LIPOFUSCINOSIS, NEURONAL, 8. Last evaluated: 2004-01-01. Review status: no assertion criteria provided. Collection method: literature only. Allele origin: germline. Not counted in ClinVar's aggregate classification.

Literature cited by the submitters: PubMed 15024724 (cited by Labcorp Genetics (formerly Invitae), Labcorp); PubMed 15074367 (cited by OMIM); PubMed 10508524 (cited by OMIM).

NM_018941.4(CLN8):c.789G>C (p.Trp263Cys)

Gene: CLN8 (CLN8 transmembrane ER and ERGIC protein; plus strand). Cytogenetic location: 8p23.3.
Variant type: single nucleotide variant.
Coding change: c.789G>C on transcript NM_018941.4 (MANE Select); coding-DNA position 789, G replaced by C.
Protein change: p.Trp263Cys; replaces tryptophan 263 with cysteine.
Molecular consequence: missense variant.
Genome position (GRCh38, 1-based): chr8:1,780,495, G>C. VCF-style: chr8-1780495-G-C. GRCh37 (hg19) VCF-style: chr8-1728661-G-C.
Other names: short protein forms W263C.
Identifiers: ClinVar variation 2803 (VCV000002803.50), dbSNP rs28940569, ClinGen allele CA252416.